The following is an entry in ClinVar:

ClinVar aggregate classification (germline): Uncertain significance (1 of 4 stars; one submission).

Submission:

GeneDx
Classification: Uncertain significance. Last evaluated: 2025-10-14. Review status: criteria provided, single submitter. Criteria: GeneDx Variant Classification Process June 2021. Collection method: clinical testing. Allele origin: germline. Affected: yes.
Comment: Not observed at significant frequency in large population cohorts (gnomAD); In silico analysis suggests that this missense variant does not alter protein structure/function; Has not been previously published as pathogenic or benign to our knowledge

NM_021098.3(CACNA1H):c.6300G>T (p.Glu2100Asp)

Gene: CACNA1H (calcium voltage-gated channel subunit alpha1 H; plus strand). Cytogenetic location: 16p13.3.
Variant type: single nucleotide variant.
Coding change: c.6300G>T on transcript NM_021098.3 (MANE Select); coding-DNA position 6300, G replaced by T.
Protein change: p.Glu2100Asp; replaces glutamic acid 2100 with aspartic acid.
Molecular consequence: missense variant.
Genome position (GRCh38, 1-based): chr16:1,220,232, G>T. VCF-style: chr16-1220232-G-T. GRCh37 (hg19) VCF-style: chr16-1270232-G-T.
Other names: c.6282G>T, p.Glu2094Asp (NM_001005407.2); short protein forms E2094D, E2100D.
Identifiers: ClinVar variation 2571729 (VCV002571729.2), dbSNP rs2548735464, ClinGen allele CA394149466.